The following is an entry in ClinVar:

NM_002861.5(PCYT2):c.682G>A (p.Gly228Arg)

Gene: PCYT2 (phosphate cytidylyltransferase 2, ethanolamine; minus strand). Cytogenetic location: 17q25.3.
Variant type: single nucleotide variant.
Coding change: c.682G>A on transcript NM_002861.5 (MANE Select); coding-DNA position 682, G replaced by A.
Protein change: p.Gly228Arg; replaces glycine 228 with arginine.
Molecular consequence: missense variant.
Genome position (GRCh38, 1-based): chr17:81,906,541, C>T on the plus strand (G>A on the coding strand, the complement: PCYT2 is on the minus strand). VCF-style: chr17-81906541-C-T. GRCh37 (hg19) VCF-style: chr17-79864417-C-T.
Other names: c.736G>A, p.Gly246Arg (NM_001184917.3); c.520G>A, p.Gly174Arg (NM_001256433.3); c.559G>A, p.Gly187Arg (NM_001256434.3); c.448G>A, p.Gly150Arg (NM_001256435.3, NM_001282203.2); c.586G>A, p.Gly196Arg (NM_001282204.2); c.682G>A, p.Gly228Arg (NM_001330518.2); short protein forms G150R, G174R, G187R, G196R, G228R, G246R.
Identifiers: ClinVar variation 2575242 (VCV002575242.6), dbSNP rs2510047496, ClinGen allele CA401521405.

ClinVar aggregate classification (germline): Likely pathogenic (1 of 4 stars; one submission).

Conditions:
Spastic paraplegia 82, autosomal recessive (SPG82). Identifiers: Orphanet 631073, MedGen C5394037, MONDO:0032906, OMIM 618770.

Allele frequency attached by ClinVar (database versions not stated): gnomAD exomes below 0.00001.

Submission:

Clinical Omics and Informatics (COIN) Unit, Neuroscience Institute, University Of Cape Town
Classification: Likely pathogenic for Spastic paraplegia 82, autosomal recessive. Last evaluated: 2024-05-22. Review status: criteria provided, single submitter. Criteria: ACMG Guidelines, 2015. Collection method: research. Allele origin: germline. Inheritance: Autosomal recessive inheritance. Affected: yes. Observed: 1 variant allele, 1 homozygote.
Comment: PM2_supporting: this variant is absent from gnomAD v4.0 (adequate coverage >20X confirmed) and an internal database of 1074 control alleles. PP3_strong: REVEL score is 0.94. PM1_met: variant is located in the functional C-terminal cytidylyltransferase domain 2 together with other pathogenic variants (PMID:31637422).

Literature cited by the submitters: PubMed 37712079.